The following is an entry in ClinVar:

NM_014140.4(SMARCAL1):c.761A>G (p.Tyr254Cys)

Gene: SMARCAL1 (SNF2 related chromatin remodeling annealing helicase 1; plus strand). Cytogenetic location: 2q35.
Variant type: single nucleotide variant.
Coding change: c.761A>G on transcript NM_014140.4 (MANE Select); coding-DNA position 761, A replaced by G.
Protein change: p.Tyr254Cys; replaces tyrosine 254 with cysteine.
Molecular consequence: missense variant.
Genome position (GRCh38, 1-based): chr2:216,415,465, A>G. VCF-style: chr2-216415465-A-G. GRCh37 (hg19) VCF-style: chr2-217280188-A-G.
Other names: c.761A>G, p.Tyr254Cys (NM_001127207.2); short protein forms Y254C.
Identifiers: ClinVar variation 2063887 (VCV002063887.1), dbSNP rs368040473, ClinGen allele CA350497994.
Genomic context (GRCh38, chr2:216,415,465, plus strand): 5'-TGAACTCTCAGAAGGGAAAGTGCGTAAGGAACGGCGATCGTTTCCAGGTGTTGATTGGGT[A>G]CAATGCGGAACTCATTGCAGTGTTTAAGACCCTGCCCAGCAAGAATTATGGTAATGTCTT-3'
Protein context (NP_054859.2, residues 244-264): NGDRFQVLIG[Tyr254Cys]NAELIAVFKT

ClinVar aggregate classification (germline): Uncertain significance (1 of 4 stars; one submission).

Conditions:
Schimke immuno-osseous dysplasia (SIOD). Also called: Schimke Immunoosseous Dysplasia. Identifiers: Orphanet 1830, MedGen C0877024, MONDO:0009458, OMIM 242900.

Submission:

Labcorp Genetics (formerly Invitae), Labcorp
Classification: Uncertain significance for Schimke immuno-osseous dysplasia. Last evaluated: 2022-07-01. Review status: criteria provided, single submitter. Criteria: Invitae Variant Classification Sherloc (09022015). Collection method: clinical testing. Allele origin: germline.
Comment: This sequence change replaces tyrosine, which is neutral and polar, with cysteine, which is neutral and slightly polar, at codon 254 of the SMARCAL1 protein (p.Tyr254Cys). This variant is not present in population databases (gnomAD no frequency). This variant has not been reported in the literature in individuals affected with SMARCAL1-related conditions. Algorithms developed to predict the effect of missense changes on protein structure and function are either unavailable or do not agree on the potential impact of this missense change (SIFT: "Deleterious"; PolyPhen-2: "Probably Damaging"; Align-GVGD: "Class C0"). In summary, the available evidence is currently insufficient to determine the role of this variant in disease. Therefore, it has been classified as a Variant of Uncertain Significance.